The following is an entry in ClinVar:

ClinVar aggregate classification (germline): Uncertain significance (1 of 4 stars; one submission).

Submission:

GeneDx
Classification: Uncertain significance. Last evaluated: 2025-06-05. Review status: criteria provided, single submitter. Criteria: GeneDx Variant Classification Process June 2021. Collection method: clinical testing. Allele origin: germline. Affected: yes.
Comment: Not observed at significant frequency in large population cohorts (gnomAD); In silico analysis suggests that this missense variant does not alter protein structure/function; Has not been previously published as pathogenic or benign to our knowledge

NM_001039591.3(USP9X):c.7600C>G (p.Gln2534Glu)

Gene: USP9X (ubiquitin specific peptidase 9 X-linked; plus strand). Cytogenetic location: Xp11.4.
Variant type: single nucleotide variant.
Coding change: c.7600C>G on transcript NM_001039591.3 (MANE Select); coding-DNA position 7600, C replaced by G.
Protein change: p.Gln2534Glu; replaces glutamine 2534 with glutamic acid.
Molecular consequence: missense variant.
Genome position (GRCh38, 1-based): chrX:41,232,459, C>G. VCF-style: chrX-41232459-C-G. GRCh37 (hg19) VCF-style: chrX-41091712-C-G.
Other names: c.7648C>G, p.Gln2550Glu (NM_001039590.3); c.7663C>G, p.Gln2555Glu (NM_001410748.1); c.7615C>G, p.Gln2539Glu (NM_001410749.1, NM_001437534.1); short protein forms Q2534E, Q2539E, Q2550E, Q2555E.
Identifiers: ClinVar variation 4536578 (VCV004536578.1).